The following is an entry in ClinVar:

ClinVar aggregate classification (germline): Uncertain significance (1 of 4 stars; one submission).

Conditions:
CILK1-related disorder. Also called: CILK1-related condition.

gnomAD v4.1: 2 of 1,613,886 alleles (0.00012%); highest among the groups gnomAD compares: African/African-American, 0.0013%; no homozygotes.

Submission:

PreventionGenetics, part of Exact Sciences
Classification: Uncertain significance for CILK1-related condition. Last evaluated: 2026-03-27. Review status: criteria provided, single submitter. Criteria: ACMG Guidelines, 2015. Collection method: clinical testing. Allele origin: germline.
Comment: The CILK1 c.710G>T variant is predicted to result in the amino acid substitution p.Arg237Leu. To our knowledge, this variant has not been reported in the literature or in a large population database (gnomAD), indicating this variant is rare. At this time, the clinical significance of this variant is uncertain due to the absence of conclusive functional and genetic evidence.

NM_014920.5(CILK1):c.710G>T (p.Arg237Leu)

Gene: CILK1 (ciliogenesis associated kinase 1; minus strand). Cytogenetic location: 6p12.1.
Variant type: single nucleotide variant.
Coding change: c.710G>T on transcript NM_014920.5 (MANE Select); coding-DNA position 710, G replaced by T.
Protein change: p.Arg237Leu; replaces arginine 237 with leucine.
Molecular consequence: missense variant. On other transcripts: non-coding transcript variant (1).
Genome position (GRCh38, 1-based): chr6:53,016,204, C>A on the plus strand (G>T on the coding strand, the complement: CILK1 is on the minus strand). VCF-style: chr6-53016204-C-A. GRCh37 (hg19) VCF-style: chr6-52881002-C-A.
Other names: c.710G>T, p.Arg237Leu (NM_001375397.1, NM_001375398.1, NM_001375399.1 and 4 more transcripts); short protein forms R237L.
Identifiers: ClinVar variation 4978931 (VCV004978931.1).